The following is an entry in ClinVar:

NM_000343.4(SLC5A1):c.1120A>G (p.Met374Val)

Gene: SLC5A1 (solute carrier family 5 member 1; plus strand). Cytogenetic location: 22q12.3.
Variant type: single nucleotide variant.
Coding change: c.1120A>G on transcript NM_000343.4 (MANE Select); coding-DNA position 1120, A replaced by G.
Protein change: p.Met374Val; replaces methionine 374 with valine.
Molecular consequence: missense variant.
Genome position (GRCh38, 1-based): chr22:32,086,318, A>G. VCF-style: chr22-32086318-A-G. GRCh37 (hg19) VCF-style: chr22-32482305-A-G.
Other names: c.739A>G, p.Met247Val (NM_001256314.2); short protein forms M374V, M247V.
Identifiers: ClinVar variation 1378522 (VCV001378522.7), dbSNP rs1397555319, ClinGen allele CA411307198.
Genomic context (GRCh38, chr22:32,086,318, plus strand): 5'-TATTGCGGTACCAAGGTTGGCTGTACCAACATCGCCTATCCAACCTTAGTGGTGGAGCTC[A>G]TGCCCAATGGTGAGATTCTTTCTTGGGAGGTTGGTAGAGTCTTTCTTGGGAGGCTGATTG-3'
Protein context (NP_000334.1, residues 364-384): IAYPTLVVEL[Met374Val]PNGLRGLMLS

ClinVar aggregate classification (germline): Uncertain significance. Review status: criteria provided, multiple submitters, no conflicts (2 of 4 stars). 2 submissions from 2 submitters: Uncertain significance (2). Last evaluated 2024-02-29.

Conditions:
Congenital glucose-galactose malabsorption (GGM). Also called: MONOSACCHARIDE MALABSORPTION; DIARRHEA 16. Identifiers: Orphanet 35710, MedGen C0268186, MONDO:0011731, OMIM 606824.

Allele frequency attached by ClinVar (database versions not stated): gnomAD exomes below 0.00001; gnomAD 0.00001; TOPMed 0.00001.
gnomAD v4.1: 3 of 1,608,694 alleles (0.00019%); highest among the groups gnomAD compares: African/African-American, 0.0027%; no homozygotes.

Submissions (2):

Fulgent Genetics
Classification: Uncertain significance for Congenital glucose-galactose malabsorption. Last evaluated: 2024-02-29. Review status: criteria provided, single submitter. Criteria: ACMG Guidelines, 2015. Collection method: clinical testing. Allele origin: germline.

Labcorp Genetics (formerly Invitae), Labcorp
Classification: Uncertain significance for Congenital glucose-galactose malabsorption. Last evaluated: 2021-09-24. Review status: criteria provided, single submitter. Criteria: Invitae Variant Classification Sherloc (09022015). Collection method: clinical testing. Allele origin: germline.
Comment: This sequence change replaces methionine with valine at codon 374 of the SLC5A1 protein (p.Met374Val). The methionine residue is highly conserved and there is a small physicochemical difference between methionine and valine. This variant is not present in population databases (ExAC no frequency). This variant has not been reported in the literature in individuals with SLC5A1-related conditions. Algorithms developed to predict the effect of missense changes on protein structure and function are either unavailable or do not agree on the potential impact of this missense change (SIFT: "Deleterious"; PolyPhen-2: "Possibly Damaging"; Align-GVGD: "Class C15"). In summary, the available evidence is currently insufficient to determine the role of this variant in disease. Therefore, it has been classified as a Variant of Uncertain Significance.